The following is an entry in ClinVar:

ClinVar aggregate classification (germline): Benign. Review status: criteria provided, multiple submitters, no conflicts (2 of 4 stars). 7 submissions from 6 submitters: Benign (7). Last evaluated 2024-12-19.

Conditions:
Hereditary cancer-predisposing syndrome. Also called: Neoplastic Syndromes, Hereditary; Hereditary neoplastic syndrome; Hereditary Cancer Syndrome; Tumor predisposition. Identifiers: Orphanet 140162, MedGen C0027672, MeSH D009386, MONDO:0015356.
Holoprosencephaly 7 (HPE7). Identifiers: Orphanet 2162, MedGen C1835820, MONDO:0012562, OMIM 610828.
Gorlin syndrome. Also called: Basal cell nevus syndrome; Nevoid Basal Cell Carcinoma Syndrome. Identifiers: Orphanet 377, MedGen C0004779, MONDO:0007187.

Allele frequency attached by ClinVar (database versions not stated): gnomAD exomes 0.34453 and 0.35054; ExAC 0.35630; TOPMed 0.43059; gnomAD 0.43107 and 0.44137; 1000 Genomes Project 0.39257; 1000 Genomes Project 30x 0.39631; ESP Exome Variant Server 0.45594.
gnomAD v4.1: 577,254 of 1,611,910 alleles (36%); highest among the groups gnomAD compares: African/African-American, 66%; 108,801 homozygotes.

Submissions (7):

Hereditary Cancer Laboratory, Hospital Universitario 12 de Octubre
Classification: Benign for Hereditary cancer-predisposing syndrome. Last evaluated: 2024-12-19. Review status: criteria provided, single submitter. Criteria: ACMG Guidelines, 2015. Collection method: clinical testing. Allele origin: germline.
Comment: BA1

KCCC/NGS Laboratory, Kuwait Cancer Control Center
Classification: Benign for Basal cell nevus syndrome 1. Last evaluated: 2023-07-07. Review status: criteria provided, single submitter. Criteria: ACMG Guidelines, 2015. Collection method: clinical testing. Allele origin: germline. Affected: yes.

Genome-Nilou Lab
Classification: Benign for Basal cell nevus syndrome 1. Last evaluated: 2021-10-25. Review status: criteria provided, single submitter. Criteria: ACMG Guidelines, 2015. Collection method: clinical testing. Allele origin: germline. Affected: no.

Genome-Nilou Lab
Classification: Benign for Holoprosencephaly 7. Last evaluated: 2021-10-25. Review status: criteria provided, single submitter. Criteria: ACMG Guidelines, 2015. Collection method: clinical testing. Allele origin: germline. Affected: no.

GeneDx
Classification: Benign. Last evaluated: 2015-03-03. Review status: criteria provided, single submitter. Criteria: GeneDx Variant Classification Process June 2021. Collection method: clinical testing. Allele origin: germline. Affected: yes.

Breakthrough Genomics
Classification: Benign. Review status: criteria provided, single submitter. Criteria: ACMG Guidelines, 2015. Collection method: not provided. Allele origin: germline. Inheritance: Autosomal dominant inheritance. Affected: yes.

PreventionGenetics, part of Exact Sciences
Classification: Benign. Review status: criteria provided, single submitter. Criteria: ACMG Guidelines, 2015. Collection method: clinical testing. Allele origin: germline.

NM_000264.5(PTCH1):c.2887+21A>G

Gene: PTCH1 (patched 1; minus strand). Cytogenetic location: 9q22.32.
Variant type: single nucleotide variant.
Coding change: c.2887+21A>G on transcript NM_000264.5 (MANE Select); 21 bases into the intron after coding-DNA position 2887, A replaced by G.
Molecular consequence: intron variant.
Genome position (GRCh38, 1-based): chr9:95,459,579, T>C on the plus strand (A>G on the coding strand, the complement: PTCH1 is on the minus strand). VCF-style: chr9-95459579-T-C. GRCh37 (hg19) VCF-style: chr9-98221861-T-C.
Other names: c.2884+21A>G (NM_001083603.3); c.2689+21A>G (NM_001083602.3); c.2731+21A>G (NM_001354918.2); c.2434+21A>G (NM_001083605.3, NM_001083604.3, NM_001083606.3 and 1 more transcripts).
Identifiers: ClinVar variation 255678 (VCV000255678.9), dbSNP rs2236406, ClinGen allele CA5138304.